The following is an entry in ClinVar:

ClinVar aggregate classification (germline): Benign. Review status: criteria provided, multiple submitters, no conflicts (2 of 4 stars). 4 submissions from 3 submitters: Benign (4). Last evaluated 2018-06-26.

Conditions:
Brain small vessel disease 1 with or without ocular anomalies (BSVD1). Also called: BRAIN SMALL VESSEL DISEASE WITH HEMORRHAGE; GOULD SYNDROME 1; PORENCEPHALY, TYPE 1, AUTOSOMAL DOMINANT; Brain small vessel disease with or without ocular anomalies. Identifiers: Orphanet 2940, Orphanet 36383, Orphanet 99810, MedGen C4755307, MONDO:0008289, OMIM 175780.
Autosomal dominant familial hematuria-retinal arteriolar tortuosity-contractures syndrome. Also called: Angiopathy, hereditary, with nephropathy, aneurysms, and muscle cramps; Hereditary Angiopathy with Nephropathy, Aneurysms, and Muscle Cramps (HANAC) Syndrome. Identifiers: Orphanet 73229, MedGen C2673195, MONDO:0012726, OMIM 611773.

Allele frequency attached by ClinVar (database versions not stated): TOPMed 0.24176; 1000 Genomes Project 30x 0.24344; 1000 Genomes Project 0.24800.
gnomAD v4.1: 314,869 of 1,081,218 alleles (29%); highest among the groups gnomAD compares: Admixed American, 35%; 47,410 homozygotes.

Submissions (4):

GeneDx
Classification: Benign. Last evaluated: 2018-06-26. Review status: criteria provided, single submitter. Criteria: GeneDx Variant Classification Process June 2021. Collection method: clinical testing. Allele origin: germline. Affected: yes.

Illumina Laboratory Services, Illumina
Classification: Benign for Brain small vessel disease 1 with or without ocular anomalies. Last evaluated: 2018-01-12. Review status: criteria provided, single submitter. Criteria: ICSL Variant Classification Criteria 13 December 2019. Collection method: clinical testing. Allele origin: germline.
Comment: This variant was observed in the ICSL laboratory as part of a predisposition screen in an ostensibly healthy population. It had not been previously curated by ICSL or reported in the Human Gene Mutation Database (HGMD: prior to June 1st, 2018), and was therefore a candidate for classification through an automated scoring system. Utilizing variant allele frequency, disease prevalence and penetrance estimates, and inheritance mode, an automated score was calculated to assess if this variant is too frequent to cause the disease. Based on the score and internal cut-off values, a variant classified as benign is not then subjected to further curation. The score for this variant resulted in a classification of benign for this disease.

Illumina Laboratory Services, Illumina
Classification: Benign for Autosomal dominant familial hematuria-retinal arteriolar tortuosity-contractures syndrome. Last evaluated: 2018-01-12. Review status: criteria provided, single submitter. Criteria: ICSL Variant Classification Criteria 13 December 2019. Collection method: clinical testing. Allele origin: germline.
Comment: the same text as in the submission from Illumina Laboratory Services, Illumina above.

Breakthrough Genomics
Classification: Benign. Review status: criteria provided, single submitter. Criteria: ACMG Guidelines, 2015. Collection method: not provided. Allele origin: germline. Inheritance: Autosomal dominant inheritance. Affected: yes.

NM_001845.6(COL4A1):c.-90G>T

Gene: COL4A1 (collagen type IV alpha 1 chain; minus strand). Cytogenetic location: 13q34.
Variant type: single nucleotide variant.
Coding change: c.-90G>T on transcript NM_001845.6 (MANE Select); 90 bases upstream of the start codon, G replaced by T.
Molecular consequence: 5 prime UTR variant.
Genome position (GRCh38, 1-based): chr13:110,307,117, C>A on the plus strand (G>T on the coding strand, the complement: COL4A1 is on the minus strand). VCF-style: chr13-110307117-C-A. GRCh37 (hg19) VCF-style: chr13-110959464-C-A.
Other names: c.-90G>T (NM_001303110.2).
Identifiers: ClinVar variation 311087 (VCV000311087.9), dbSNP rs113651836, ClinGen allele CA10643748.